The following is an entry in ClinVar:

ClinVar aggregate classification (germline): Uncertain significance (1 of 4 stars; one submission).

Conditions:
Menkes kinky-hair syndrome (MNK). Also called: Classic Menkes Disease; Copper transport disease; Menkes Disease. Identifiers: Orphanet 565, MedGen C0022716, MONDO:0010651, OMIM 309400.
Cutis laxa, X-linked (OHS). Also called: EDS IX; Occipital horn syndrome. Identifiers: Orphanet 198, MedGen C0268353, MONDO:0010572, OMIM 304150.
X-linked distal spinal muscular atrophy type 3. Also called: ATP7A-Related Distal Motor Neuropathy; SPINAL MUSCULAR ATROPHY, DISTAL, X-LINKED RECESSIVE; NEURONOPATHY, DISTAL HEREDITARY MOTOR, X-LINKED; NEUROPATHY, DISTAL HEREDITARY MOTOR, X-LINKED. Identifiers: Orphanet 139557, MedGen C1845359, MONDO:0010338, OMIM 300489.

Submission:

Labcorp Genetics (formerly Invitae), Labcorp
Classification: Uncertain significance for X-linked distal spinal muscular atrophy type 3; Cutis laxa, X-linked; Menkes kinky-hair syndrome. Last evaluated: 2025-04-11. Review status: criteria provided, single submitter. Criteria: Invitae Variant Classification Sherloc (09022015). Collection method: clinical testing. Allele origin: germline.
Comment: This sequence change replaces arginine, which is basic and polar, with glycine, which is neutral and non-polar, at codon 123 of the ATP7A protein (p.Arg123Gly). This variant is not present in population databases (gnomAD no frequency). This variant has not been reported in the literature in individuals affected with ATP7A-related conditions. Invitae Evidence Modeling of protein sequence and biophysical properties (such as structural, functional, and spatial information, amino acid conservation, physicochemical variation, residue mobility, and thermodynamic stability) indicates that this missense variant is not expected to disrupt ATP7A protein function with a negative predictive value of 95%. In summary, the available evidence is currently insufficient to determine the role of this variant in disease. Therefore, it has been classified as a Variant of Uncertain Significance.

NM_000052.7(ATP7A):c.367A>G (p.Arg123Gly)

Gene: ATP7A (ATPase copper transporting alpha; plus strand). Cytogenetic location: Xq21.1.
Variant type: single nucleotide variant.
Coding change: c.367A>G on transcript NM_000052.7 (MANE Select); coding-DNA position 367, A replaced by G.
Protein change: p.Arg123Gly; replaces arginine 123 with glycine.
Molecular consequence: missense variant.
Genome position (GRCh38, 1-based): chrX:77,988,488, A>G. VCF-style: chrX-77988488-A-G. GRCh37 (hg19) VCF-style: chrX-77243984-A-G.
Other names: c.367A>G, p.Arg123Gly (NM_001282224.2); short protein forms R123G.
Identifiers: ClinVar variation 4793813 (VCV004793813.1).
Genomic context (GRCh38, chrX:77,988,488, plus strand): 5'-ATCCAAAGCACATTGCTGAAGACCAAGGGTGTGACAGACATTAAAATTTACCCTCAGAAA[A>G]GAACTGTAGCAGTGACAATAATCCCTTCTATAGTGAATGCCAATCAGATAAAAGAGCTGG-3'
Protein context (NP_000043.4, residues 113-133): VTDIKIYPQK[Arg123Gly]TVAVTIIPSI